The following is an entry in ClinVar:

NM_080424.4(SP110):c.2059T>G (p.Leu687Val)

Gene: SP110 (SP110 nuclear body protein; minus strand). Cytogenetic location: 2q37.1.
Variant type: single nucleotide variant.
Coding change: c.2059T>G on transcript NM_080424.4 (MANE Select); coding-DNA position 2059, T replaced by G.
Protein change: p.Leu687Val; replaces leucine 687 with valine.
Molecular consequence: missense variant.
Genome position (GRCh38, 1-based): chr2:230,169,207, A>C on the plus strand (T>G on the coding strand, the complement: SP110 is on the minus strand). VCF-style: chr2-230169207-A-C. GRCh37 (hg19) VCF-style: chr2-231033923-A-C.
Other names: c.2155T>G, p.Leu719Val (NM_001378442.1); c.2137T>G, p.Leu713Val (NM_001378443.1); c.2077T>G, p.Leu693Val (NM_001378444.1); c.2005T>G, p.Leu669Val (NM_001378445.1); c.1864T>G, p.Leu622Val (NM_001378446.1); c.1987T>G, p.Leu663Val (NM_004509.5); short protein forms L622V, L713V, L693V, L669V, L687V, L719V, L663V.
Identifiers: ClinVar variation 2090926 (VCV002090926.4), dbSNP rs2078367589, ClinGen allele CA350896309.

ClinVar aggregate classification (germline): Uncertain significance (1 of 4 stars; one submission).

Conditions:
Hepatic veno-occlusive disease-immunodeficiency syndrome. Also called: Hepatic Veno-Occlusive Disease with Immunodeficiency. Identifiers: Orphanet 79124, MedGen C1856128, MONDO:0009338, OMIM 235550. Disease mechanism: loss of function.

Allele frequency attached by ClinVar (database versions not stated): TOPMed below 0.00001.

Submission:

Labcorp Genetics (formerly Invitae), Labcorp
Classification: Uncertain significance for Hepatic veno-occlusive disease-immunodeficiency syndrome. Last evaluated: 2023-02-08. Review status: criteria provided, single submitter. Criteria: Invitae Variant Classification Sherloc (09022015). Collection method: clinical testing. Allele origin: germline.
Comment: This sequence change replaces leucine, which is neutral and non-polar, with valine, which is neutral and non-polar, at codon 663 of the SP110 protein (p.Leu663Val). This variant is not present in population databases (gnomAD no frequency). This variant has not been reported in the literature in individuals affected with SP110-related conditions. Algorithms developed to predict the effect of missense changes on protein structure and function are either unavailable or do not agree on the potential impact of this missense change (SIFT: "Deleterious"; PolyPhen-2: "Possibly Damaging"; Align-GVGD: "Class C0"). In summary, the available evidence is currently insufficient to determine the role of this variant in disease. Therefore, it has been classified as a Variant of Uncertain Significance.